The following is an entry in ClinVar:

ClinVar aggregate classification (germline): Pathogenic/Likely pathogenic. Review status: criteria provided, multiple submitters, no conflicts (2 of 4 stars). 5 submissions from 5 submitters: Pathogenic (1); Likely pathogenic (4). Last evaluated 2025-08-19.

Conditions:
Smith-Lemli-Opitz syndrome (SLOS). Also called: LETHAL ACRODYSGENITAL SYNDROME; POLYDACTYLY, SEX REVERSAL, RENAL HYPOPLASIA, AND UNILOBAR LUNG; RSH SYNDROME; RUTLEDGE LETHAL MULTIPLE CONGENITAL ANOMALY SYNDROME; 7-Dehydrocholesterol reductase deficiency. Identifiers: Orphanet 818, MedGen C0175694, MONDO:0010035, OMIM 270400.

Allele frequency attached by ClinVar (database versions not stated): gnomAD exomes below 0.00001; TOPMed below 0.00001; ExAC 0.00001; gnomAD 0.00001.
gnomAD v4.1: 2 of 1,612,600 alleles (0.00012%); highest among the groups gnomAD compares: Non-Finnish European, 0.00017%; no homozygotes.

Submissions (5):

Natera, Inc.
Classification: Likely pathogenic for Smith-Lemli-Opitz syndrome. Last evaluated: 2025-08-19. Review status: criteria provided, single submitter. Criteria: Natera Variant Classification Schema (03/2026). Collection method: clinical testing. Allele origin: germline.
Comment: The c.1351T>C variant in DHCR7 is a missense variant predicted to cause substitution of cysteine to arginine at amino acid 451. This variant is rare in the general population with a frequency below the threshold expected for the associated phenotype(s). This variant has been observed in one or more individuals affected with the associated recessive disease, as either homozygous or compound heterozygous with a second variant (PMID: 31840946). This variant has been identified in one or more affected individuals with a phenotype highly consistent with the associated gene (PMID: 31840946). Computational prediction algorithms indicate this variant is likely to affect gene or protein function. Given the available evidence, this variant is classified as Likely Pathogenic.

Fulgent Genetics
Classification: Likely pathogenic for Smith-Lemli-Opitz syndrome. Last evaluated: 2024-05-23. Review status: criteria provided, single submitter. Criteria: ACMG Guidelines, 2015. Collection method: clinical testing. Allele origin: germline.

Labcorp Genetics (formerly Invitae), Labcorp
Classification: Pathogenic for Smith-Lemli-Opitz syndrome. Last evaluated: 2024-01-31. Review status: criteria provided, single submitter. Criteria: Invitae Variant Classification Sherloc (09022015). Collection method: clinical testing. Allele origin: germline.
Comment: This sequence change replaces cysteine, which is neutral and slightly polar, with arginine, which is basic and polar, at codon 451 of the DHCR7 protein (p.Cys451Arg). This variant is present in population databases (rs761458977, gnomAD 0.0009%). This missense change has been observed in individual(s) with Smith-Lemli-Opitz syndrome (PMID: 31840946). In at least one individual the data is consistent with being in trans (on the opposite chromosome) from a pathogenic variant. ClinVar contains an entry for this variant (Variation ID: 1709241). Advanced modeling of protein sequence and biophysical properties (such as structural, functional, and spatial information, amino acid conservation, physicochemical variation, residue mobility, and thermodynamic stability) performed at Invitae indicates that this missense variant is expected to disrupt DHCR7 protein function with a positive predictive value of 95%. This variant disrupts the p.Cys451 amino acid residue in DHCR7. Other variant(s) that disrupt this residue have been determined to be pathogenic (Invitae). This suggests that this residue is clinically significant, and that variants that disrupt this residue are likely to be disease-causing. For these reasons, this variant has been classified as Pathogenic.

GeneDx
Classification: Likely pathogenic. Last evaluated: 2023-03-07. Review status: criteria provided, single submitter. Criteria: GeneDx Variant Classification Process June 2021. Collection method: clinical testing. Allele origin: germline. Affected: yes.
Comment: Observed with a pathogenic variant in a patient in the published literature, but it is not known whether the variants occurred on the same (in cis) or on different (in trans) chromosomes (Kalb et al., 2012); Not observed at significant frequency in large population cohorts (gnomAD); In silico analysis supports that this missense variant has a deleterious effect on protein structure/function; This variant is associated with the following publications: (PMID: 34426522, 22211794, 31840946, 23042628)

MGZ Medical Genetics Center
Classification: Likely pathogenic for Smith-Lemli-Opitz syndrome. Last evaluated: 2022-02-10. Review status: criteria provided, single submitter. Criteria: ACMG Guidelines, 2015. Collection method: clinical testing. Allele origin: germline. Affected: yes. Observed: 1 variant allele.
Comment: ACMG criteria applied: PM1, PM3, PS4_SUP, PM2_SUP, PP3

Literature cited by the submitters: PubMed 31840946 (cited by Natera, Inc. and Labcorp Genetics (formerly Invitae), Labcorp).

NM_001360.3(DHCR7):c.1351T>C (p.Cys451Arg)

Gene: DHCR7 (7-dehydrocholesterol reductase; minus strand). Cytogenetic location: 11q13.4.
Variant type: single nucleotide variant.
Coding change: c.1351T>C on transcript NM_001360.3 (MANE Select); coding-DNA position 1351, T replaced by C.
Protein change: p.Cys451Arg; replaces cysteine 451 with arginine.
Molecular consequence: missense variant.
Genome position (GRCh38, 1-based): chr11:71,435,452, A>G on the plus strand (T>C on the coding strand, the complement: DHCR7 is on the minus strand). VCF-style: chr11-71435452-A-G. GRCh37 (hg19) VCF-style: chr11-71146498-A-G.
Other names: c.1351T>C, p.Cys451Arg (NM_001163817.2); short protein forms C451R.
Identifiers: ClinVar variation 1709241 (VCV001709241.11), dbSNP rs761458977, ClinGen allele CA6162251.